The following is an entry in ClinVar:

ClinVar aggregate classification (germline): Uncertain significance (1 of 4 stars; one submission).

Conditions:
Glucose-6-phosphate transport defect (GSD1B). Also called: Glycogen Storage Disease Type Ib; GSD Ib. Identifiers: Orphanet 364, Orphanet 79259, MedGen C0268146, MONDO:0009288, OMIM 232220.

Submission:

Labcorp Genetics (formerly Invitae), Labcorp
Classification: Uncertain significance for Glucose-6-phosphate transport defect. Last evaluated: 2025-06-15. Review status: criteria provided, single submitter. Criteria: Invitae Variant Classification Sherloc (09022015). Collection method: clinical testing. Allele origin: germline.
Comment: This sequence change replaces cysteine, which is neutral and slightly polar, with tyrosine, which is neutral and polar, at codon 404 of the SLC37A4 protein (p.Cys404Tyr). This variant is present in population databases (rs781818280, gnomAD 0.02%). This variant has not been reported in the literature in individuals affected with SLC37A4-related conditions. Invitae Evidence Modeling of protein sequence and biophysical properties (such as structural, functional, and spatial information, amino acid conservation, physicochemical variation, residue mobility, and thermodynamic stability) indicates that this missense variant is expected to disrupt SLC37A4 protein function with a positive predictive value of 80%. In summary, the available evidence is currently insufficient to determine the role of this variant in disease. Therefore, it has been classified as a Variant of Uncertain Significance.

NM_001164277.2(SLC37A4):c.1211G>A (p.Cys404Tyr)

Gene: SLC37A4 (solute carrier family 37 member 4; minus strand). Cytogenetic location: 11q23.3.
Variant type: single nucleotide variant.
Coding change: c.1211G>A on transcript NM_001164277.2 (MANE Select); coding-DNA position 1211, G replaced by A.
Protein change: p.Cys404Tyr; replaces cysteine 404 with tyrosine.
Molecular consequence: missense variant.
Genome position (GRCh38, 1-based): chr11:119,024,989, C>T on the plus strand (G>A on the coding strand, the complement: SLC37A4 is on the minus strand). VCF-style: chr11-119024989-C-T. GRCh37 (hg19) VCF-style: chr11-118895699-C-T.
Other names: c.1277G>A, p.Cys426Tyr (NM_001164278.2); c.992G>A, p.Cys331Tyr (NM_001164279.2); c.1211G>A, p.Cys404Tyr (NM_001164280.2, NM_001467.6); short protein forms C331Y, C404Y, C426Y.
Identifiers: ClinVar variation 4737772 (VCV004737772.1).
Genomic context (GRCh38, chr11:119,024,989, plus strand): 5'-ACTCGGCCCATCTTGGTGCGGATGTTTCGTAGGAGGAAGAAGGCAGCCGTGCTGGCCGCA[C>T]AAATCACTTCAGCCACCCAGAAGGCTGTGCTCCAACTGTAGTGCTTGGCAATGGTGCTGA-3'
Protein context (NP_001157749.1, residues 394-414): STAFWVAEVI[Cys404Tyr]AASTAAFFLL